The following is an entry in ClinVar:

ClinVar aggregate classification (germline): Uncertain significance (1 of 4 stars; one submission).

Conditions:
RASopathy. Also called: Noonan spectrum disorder; rasopathies. Identifiers: Orphanet 536391, MedGen C5555857, MONDO:0021060.

Allele frequency attached by ClinVar (database versions not stated): gnomAD exomes below 0.00001.
gnomAD v4.1: 3 of 1,614,064 alleles (0.00019%); highest among the groups gnomAD compares: Non-Finnish European, 0.00025%; no homozygotes.

Submission:

Labcorp Genetics (formerly Invitae), Labcorp
Classification: Uncertain significance for RASopathy. Last evaluated: 2025-06-12. Review status: criteria provided, single submitter. Criteria: Invitae Variant Classification Sherloc (09022015). Collection method: clinical testing. Allele origin: germline.
Comment: This sequence change replaces glutamine, which is neutral and polar, with proline, which is neutral and non-polar, at codon 253 of the RAF1 protein (p.Gln253Pro). This variant is not present in population databases (gnomAD no frequency). This variant has not been reported in the literature in individuals affected with RAF1-related conditions. ClinVar contains an entry for this variant (Variation ID: 1983107). Invitae Evidence Modeling of protein sequence and biophysical properties (such as structural, functional, and spatial information, amino acid conservation, physicochemical variation, residue mobility, and thermodynamic stability) indicates that this missense variant is expected to disrupt RAF1 protein function with a positive predictive value of 95%. In summary, the available evidence is currently insufficient to determine the role of this variant in disease. Therefore, it has been classified as a Variant of Uncertain Significance.

NM_002880.4(RAF1):c.758A>C (p.Gln253Pro)

Gene: RAF1 (Raf-1 proto-oncogene, serine/threonine kinase; minus strand). Cytogenetic location: 3p25.2.
Variant type: single nucleotide variant.
Coding change: c.758A>C on transcript NM_002880.4 (MANE Select); coding-DNA position 758, A replaced by C.
Protein change: p.Gln253Pro; replaces glutamine 253 with proline.
Molecular consequence: missense variant. On other transcripts: non-coding transcript variant (3).
Genome position (GRCh38, 1-based): chr3:12,604,212, T>G on the plus strand (A>C on the coding strand, the complement: RAF1 is on the minus strand). VCF-style: chr3-12604212-T-G. GRCh37 (hg19) VCF-style: chr3-12645711-T-G.
Other names: c.758A>C, p.Gln253Pro (NM_001354689.3, NM_001354690.3); c.515A>C, p.Gln172Pro (NM_001354691.3, NM_001354692.3, NM_001354694.3); c.659A>C, p.Gln220Pro (NM_001354693.3); c.416A>C, p.Gln139Pro (NM_001354695.3); short protein forms Q139P, Q220P, Q172P, Q253P.
Identifiers: ClinVar variation 1983107 (VCV001983107.4), dbSNP rs2470339241, ClinGen allele CA351512557.